The following is an entry in ClinVar:

ClinVar aggregate classification (germline): Uncertain significance (1 of 4 stars; one submission).

Submission:

Women's Health and Genetics/Laboratory Corporation of America, LabCorp
Classification: Uncertain significance. Last evaluated: 2025-10-07. Review status: criteria provided, single submitter. Criteria: LabCorp Variant Classification Summary - May 2015. Collection method: clinical testing. Allele origin: germline.
Comment: Variant summary: SOS1 c.1676_1696del21 (p.Leu559_Glu565del) results in an in-frame deletion that is predicted to remove seven amino acids from the encoded protein. The variant was absent in 250974 control chromosomes. The available data on variant occurrences in the general population are insufficient to allow any conclusion about variant significance. To our knowledge, no occurrence of c.1676_1696del21 in individuals affected with SOS1-related conditions and no experimental evidence demonstrating its impact on protein function have been reported. No submitters have cited clinical-significance assessments for this variant to ClinVar. Based on the evidence outlined above, the variant was classified as uncertain significance.

NM_005633.4(SOS1):c.1676_1696del (p.Leu559_Glu565del)

Gene: SOS1 (SOS Ras/Rac guanine nucleotide exchange factor 1; minus strand). Cytogenetic location: 2p22.1.
Variant type: Deletion.
Coding change: c.1676_1696del on transcript NM_005633.4 (MANE Select); coding-DNA positions 1676 to 1696, 21 bases deleted (TACAGGAAGAGAAAGAGGAGC).
Protein change: p.Leu559_Glu565del.
Genome position (GRCh38, 1-based): chr2:39,022,732-39,022,752, GCTCCTCTTTCTCTTCCTGTA deleted on the plus strand (TACAGGAAGAGAAAGAGGAGC on the coding strand, the reverse complement: SOS1 is on the minus strand); deleting any 21 consecutive bases within chr2:39,022,732-39,022,754 gives the same sequence; the c. name uses the placement nearest the transcript's 3' end. VCF-style (leftmost placement, unchanged base first): chr2-39022731-TGCTCCTCTTTCTCTTCCTGTA-T. GRCh37 (hg19) VCF-style: chr2-39249872-TGCTCCTCTTTCTCTTCCTGTA-T.
Other names: c.1655_1675del, p.Leu552_Glu558del (NM_001382394.1); c.1676_1696del, p.Leu559_Glu565del (NM_001382395.1); c.1676_1696del21 (NM_005633.4).
Identifiers: ClinVar variation 4687487 (VCV004687487.1).